The following is an entry in ClinVar:

ClinVar aggregate classification (germline): Pathogenic (1 of 4 stars; one submission).

Submission:

Labcorp Genetics (formerly Invitae), Labcorp
Classification: Pathogenic. Last evaluated: 2024-02-09. Review status: criteria provided, single submitter. Criteria: Invitae Variant Classification Sherloc (09022015). Collection method: clinical testing. Allele origin: germline.
Comment: This sequence change creates a premature translational stop signal (p.Trp1538*) in the ITGB4 gene. It is expected to result in an absent or disrupted protein product. Loss-of-function variants in ITGB4 are known to be pathogenic (PMID: 11328943, 16473856). This variant is not present in population databases (gnomAD no frequency). This variant has not been reported in the literature in individuals affected with ITGB4-related conditions. For these reasons, this variant has been classified as Pathogenic.

Literature cited by the submitters: PubMed 11328943; PubMed 16473856.

NM_000213.5(ITGB4):c.4824G>A (p.Trp1608Ter)

Genes: GALK1 (galactokinase 1; minus strand), ITGB4 (integrin subunit beta 4; plus strand). Cytogenetic location: 17q25.1.
Variant type: single nucleotide variant.
Coding change: c.4824G>A on transcript NM_000213.5 (MANE Select); coding-DNA position 4824, G replaced by A.
Protein change: p.Trp1608Ter; replaces tryptophan 1608 with a stop codon.
Molecular consequence: nonsense. On other transcripts: intron variant (1).
Genome position (GRCh38, 1-based): chr17:75,756,544, G>A. VCF-style: chr17-75756544-G-A. GRCh37 (hg19) VCF-style: chr17-73752625-G-A.
Other names: c.4464G>A, p.Trp1488Ter (NM_001438834.1); c.*22+1490C>T (NM_001381985.1); c.4773G>A, p.Trp1591Ter (NM_001005619.2); c.4614G>A, p.Trp1538Ter (NM_001005731.3, NM_001321123.2); short protein forms W1538*, W1608*, W1591*, W1488*.
Identifiers: ClinVar variation 3639833 (VCV003639833.2).